The following is an entry in ClinVar:

ClinVar aggregate classification (germline): Uncertain significance (1 of 4 stars; one submission).

Conditions:
Seizures, benign familial infantile, 3 (BFIS3). Also called: CONVULSIONS, BENIGN FAMILIAL INFANTILE, 3; Familial neonatal seizures. Identifiers: Orphanet 140927, Orphanet 306, MedGen C1843140, MONDO:0011904, OMIM 607745.
Developmental and epileptic encephalopathy, 11 (DEE11). Also called: Early infantile epileptic encephalopathy 11. Identifiers: Orphanet 1934, MedGen C3150987, MONDO:0013388, OMIM 613721.

Submission:

Labcorp Genetics (formerly Invitae), Labcorp
Classification: Uncertain significance for Seizures, benign familial infantile, 3; Developmental and epileptic encephalopathy, 11. Last evaluated: 2020-09-08. Review status: criteria provided, single submitter. Criteria: Invitae Variant Classification Sherloc (09022015). Collection method: clinical testing. Allele origin: germline.
Comment: Algorithms developed to predict the effect of missense changes on protein structure and function are either unavailable or do not agree on the potential impact of this missense change (SIFT: "Deleterious"; PolyPhen-2: "Possibly Damaging"; Align-GVGD: "Class C0"). In summary, the available evidence is currently insufficient to determine the role of this variant in disease. Therefore, it has been classified as a Variant of Uncertain Significance. This variant has not been reported in the literature in individuals with SCN2A-related conditions. This variant is not present in population databases (ExAC no frequency). This sequence change replaces leucine with valine at codon 1669 of the SCN2A protein (p.Leu1669Val). The leucine residue is highly conserved and there is a small physicochemical difference between leucine and valine.

NM_001040142.2(SCN2A):c.5005C>G (p.Leu1669Val)

Gene: SCN2A (sodium voltage-gated channel alpha subunit 2; plus strand). Cytogenetic location: 2q24.3.
Variant type: single nucleotide variant.
Coding change: c.5005C>G on transcript NM_001040142.2 (MANE Select); coding-DNA position 5005, C replaced by G.
Protein change: p.Leu1669Val; replaces leucine 1669 with valine.
Molecular consequence: missense variant.
Genome position (GRCh38, 1-based): chr2:165,388,811, C>G. VCF-style: chr2-165388811-C-G. GRCh37 (hg19) VCF-style: chr2-166245321-C-G.
Other names: c.5005C>G, p.Leu1669Val (NM_001040143.2, NM_001371246.1, NM_001371247.1 and 1 more transcripts); short protein forms L1669V.
Identifiers: ClinVar variation 1061123 (VCV001061123.9), dbSNP rs2105402420, ClinGen allele CA349037974.